The following is an entry in ClinVar:

NM_001080467.3(MYO5B):c.1384C>T (p.Leu462Phe)

Gene: MYO5B (myosin VB; minus strand). Cytogenetic location: 18q21.1.
Variant type: single nucleotide variant.
Coding change: c.1384C>T on transcript NM_001080467.3 (MANE Select); coding-DNA position 1384, C replaced by T.
Protein change: p.Leu462Phe; replaces leucine 462 with phenylalanine.
Molecular consequence: missense variant.
Genome position (GRCh38, 1-based): chr18:49,962,969, G>A on the plus strand (C>T on the coding strand, the complement: MYO5B is on the minus strand). VCF-style: chr18-49962969-G-A. GRCh37 (hg19) VCF-style: chr18-47489339-G-A.
Other names: short protein forms L462F.
Identifiers: ClinVar variation 3775850 (VCV003775850.1).

ClinVar aggregate classification (germline): Uncertain significance (1 of 4 stars; one submission).

Conditions:
Congenital microvillous atrophy (DIAR2). Also called: MICROVILLUS ATROPHY, CONGENITAL; Microvillus inclusion disease; Diarrhea 2 with microvillus atrophy, with or without cholestasis; CONGENITAL FAMILIAL PROTRACTED DIARRHEA WITH ENTEROCYTE BRUSH-BORDER ABNORMALITIES; DAVIDSON DISEASE. Identifiers: Orphanet 2290, MedGen C0341306, MONDO:0009635, OMIM 251850.

Submission:

3billion
Classification: Uncertain significance for Congenital microvillous atrophy. Last evaluated: 2023-12-19. Review status: criteria provided, single submitter. Criteria: ACMG Guidelines, 2015. Collection method: clinical testing. Allele origin: germline. Affected: yes.
Comment: The variant is not observed in the gnomAD v2.1.1 dataset. Predicted Consequence/Location: Missense variant In silico tool predictions suggest damaging effect of the variant on gene or gene product [REVEL: 0.94 (>=0.6, sensitivity 0.68 and specificity 0.92)]. Therefore, this variant is classified as VUS according to the recommendation of ACMG/AMP guideline.